The following is an entry in ClinVar:

ClinVar aggregate classification (germline): Likely pathogenic (0 of 4 stars; one submission).

Conditions:
Congenital myasthenic syndrome 20. Also called: Myasthenic syndrome, congenital, 20, presynaptic. Identifiers: MedGen C4310694, MONDO:0014939, OMIM 617143.

Submission:

Ricardo Maselli Laboratory, University of California Davis
Classification: Likely pathogenic for Congenital myasthenic syndrome 20. Last evaluated: 2024-01-16. Review status: no assertion criteria provided. Collection method: clinical testing. Allele origin: unknown. Inheritance: Autosomal recessive inheritance. Observed: 1 compound heterozygote.
Comment: Congenital Myasthenic Syndrome with episodic apneas

NM_021815.5(SLC5A7):c.1207T>C (p.Tyr403His)

Gene: SLC5A7 (solute carrier family 5 member 7; plus strand). Cytogenetic location: 2q12.3.
Variant type: single nucleotide variant.
Coding change: c.1207T>C on transcript NM_021815.5 (MANE Select); coding-DNA position 1207, T replaced by C.
Protein change: p.Tyr403His; replaces tyrosine 403 with histidine.
Molecular consequence: missense variant.
Genome position (GRCh38, 1-based): chr2:108,010,325, T>C. VCF-style: chr2-108010325-T-C. GRCh37 (hg19) VCF-style: chr2-108626781-T-C.
Other names: c.1207T>C, p.Tyr403His (NM_001305005.3); c.892T>C, p.Tyr298His (NM_001305006.3); c.466T>C, p.Tyr156His (NM_001305007.3); short protein forms Y156H, Y298H, Y403H.
Identifiers: ClinVar variation 2687766 (VCV002687766.2), dbSNP rs2467132050, ClinGen allele CA348114073.